The following is an entry in ClinVar:

ClinVar aggregate classification (germline): Uncertain significance. Review status: criteria provided, multiple submitters, no conflicts (2 of 4 stars). 2 submissions from 2 submitters: Uncertain significance (2). Last evaluated 2025-06-07.

Allele frequency attached by ClinVar (database versions not stated): ExAC 0.00001; gnomAD 0.00001; gnomAD exomes 0.00001; TOPMed 0.00002.
gnomAD v4.1: 15 of 1,604,904 alleles (0.00093%); highest among the groups gnomAD compares: South Asian, 0.009%; no homozygotes.

Submissions (2):

Ambry Genetics
Classification: Uncertain significance. Last evaluated: 2025-06-07. Review status: criteria provided, single submitter. Criteria: Ambry Variant Classification Scheme 2023. Collection method: clinical testing. Allele origin: germline.

Labcorp Genetics (formerly Invitae), Labcorp
Classification: Uncertain significance. Last evaluated: 2022-10-12. Review status: criteria provided, single submitter. Criteria: Invitae Variant Classification Sherloc (09022015). Collection method: clinical testing. Allele origin: germline.
Comment: This sequence change replaces arginine, which is basic and polar, with histidine, which is basic and polar, at codon 152 of the REPS1 protein (p.Arg152His). In summary, the available evidence is currently insufficient to determine the role of this variant in disease. Therefore, it has been classified as a Variant of Uncertain Significance. Advanced modeling of protein sequence and biophysical properties (such as structural, functional, and spatial information, amino acid conservation, physicochemical variation, residue mobility, and thermodynamic stability) performed at Invitae indicates that this missense variant is not expected to disrupt REPS1 protein function. This variant has not been reported in the literature in individuals affected with REPS1-related conditions. This variant is present in population databases (rs753137115, gnomAD 0.005%).

NM_001286611.2(REPS1):c.455G>A (p.Arg152His)

Gene: REPS1 (RALBP1 associated Eps domain containing 1; minus strand). Cytogenetic location: 6q24.1.
Variant type: single nucleotide variant.
Coding change: c.455G>A on transcript NM_001286611.2 (MANE Select); coding-DNA position 455, G replaced by A.
Protein change: p.Arg152His; replaces arginine 152 with histidine.
Molecular consequence: missense variant.
Genome position (GRCh38, 1-based): chr6:138,945,520, C>T on the plus strand (G>A on the coding strand, the complement: REPS1 is on the minus strand). VCF-style: chr6-138945520-C-T. GRCh37 (hg19) VCF-style: chr6-139266657-C-T.
Other names: c.455G>A (NM_031922.3); c.455G>A, p.Arg152His (NM_001128617.3, NM_001286612.2, NM_031922.5); short protein forms R152H.
Identifiers: ClinVar variation 1965639 (VCV001965639.6), dbSNP rs753137115, ClinGen allele CA4024455.